The following is an entry in ClinVar:

NM_173728.4(ARHGEF15):c.985G>C (p.Gly329Arg)

Gene: ARHGEF15 (Rho guanine nucleotide exchange factor 15; plus strand). Cytogenetic location: 17p13.1.
Variant type: single nucleotide variant.
Coding change: c.985G>C on transcript NM_173728.4 (MANE Select); coding-DNA position 985, G replaced by C.
Protein change: p.Gly329Arg; replaces glycine 329 with arginine.
Molecular consequence: missense variant.
Genome position (GRCh38, 1-based): chr17:8,313,551, G>C. VCF-style: chr17-8313551-G-C. GRCh37 (hg19) VCF-style: chr17-8216869-G-C.
Other names: c.985G>C, p.Gly329Arg (NM_025014.2); short protein forms G329R.
Identifiers: ClinVar variation 969963 (VCV000969963.8), dbSNP rs1370581711, ClinGen allele CA398018366.
Genomic context (GRCh38, chr17:8,313,551, plus strand): 5'-CTCTCTCCAGGGGACAGTCCTGATGAAGCTCCTCAGAATACTCCTCCAGCAACTGTGGAG[G>C]GGAGGTACTGAACACCCCCACCCCTACTCCCTGGTTCTCTCCCCACCATGCTTCTACCTG-3'
Protein context (NP_776089.2, residues 319-339): PQNTPPATVE[Gly329Arg]REEEGLEVLK

ClinVar aggregate classification (germline): Uncertain significance (1 of 4 stars; one submission).

Conditions:
Early-infantile DEE. Also called: Ohtahara syndrome; Early infantile epileptic encephalopathy with suppression bursts; Early infantile epileptic encephalopathy. Identifiers: Orphanet 1934, MedGen C0393706, MONDO:0800491.

Allele frequency attached by ClinVar (database versions not stated): gnomAD exomes below 0.00001 and 0.00001; gnomAD 0.00001; TOPMed 0.00001.

Submission:

Labcorp Genetics (formerly Invitae), Labcorp
Classification: Uncertain significance for Early-infantile DEE. Last evaluated: 2022-12-06. Review status: criteria provided, single submitter. Criteria: Invitae Variant Classification Sherloc (09022015). Collection method: clinical testing. Allele origin: germline.
Comment: In summary, the available evidence is currently insufficient to determine the role of this variant in disease. Therefore, it has been classified as a Variant of Uncertain Significance. Algorithms developed to predict the effect of missense changes on protein structure and function (SIFT, PolyPhen-2, Align-GVGD) all suggest that this variant is likely to be tolerated. ClinVar contains an entry for this variant (Variation ID: 969963). This variant has not been reported in the literature in individuals affected with ARHGEF15-related conditions. This variant is present in population databases (no rsID available, gnomAD 0.0009%). This sequence change replaces glycine, which is neutral and non-polar, with arginine, which is basic and polar, at codon 329 of the ARHGEF15 protein (p.Gly329Arg).